The following is an entry in ClinVar:

ClinVar aggregate classification (germline): Uncertain significance (1 of 4 stars; one submission).

Conditions:
Hereditary cancer-predisposing syndrome. Also called: Neoplastic Syndromes, Hereditary; Tumor predisposition; Hereditary neoplastic syndrome; Hereditary Cancer Syndrome. Identifiers: Orphanet 140162, MedGen C0027672, MeSH D009386, MONDO:0015356.

Submission:

Ambry Genetics
Classification: Uncertain significance for Hereditary cancer-predisposing syndrome. Last evaluated: 2024-03-17. Review status: criteria provided, single submitter. Criteria: Ambry Variant Classification Scheme 2023. Collection method: clinical testing. Allele origin: germline.
Comment: The p.I444V variant (also known as c.1330A>G), located in coding exon 10 of the POT1 gene, results from an A to G substitution at nucleotide position 1330. The isoleucine at codon 444 is replaced by valine, an amino acid with highly similar properties. This amino acid position is conserved. In addition, this alteration is predicted to be tolerated by in silico analysis. Based on the available evidence, the clinical significance of this alteration remains unclear.

NM_015450.3(POT1):c.1330A>G (p.Ile444Val)

Gene: POT1 (protection of telomeres 1; minus strand). Cytogenetic location: 7q31.33.
Variant type: single nucleotide variant.
Coding change: c.1330A>G on transcript NM_015450.3 (MANE Select); coding-DNA position 1330, A replaced by G.
Protein change: p.Ile444Val; replaces isoleucine 444 with valine.
Molecular consequence: missense variant. On other transcripts: non-coding transcript variant (3).
Genome position (GRCh38, 1-based): chr7:124,841,012, T>C on the plus strand (A>G on the coding strand, the complement: POT1 is on the minus strand). VCF-style: chr7-124841012-T-C. GRCh37 (hg19) VCF-style: chr7-124481066-T-C.
Other names: c.937A>G, p.Ile313Val (NM_001042594.2); short protein forms I444V, I313V.
Identifiers: ClinVar variation 3308955 (VCV003308955.1).